The following is an entry in ClinVar:

NM_000428.3(LTBP2):c.376C>G (p.Pro126Ala)

Gene: LTBP2 (latent transforming growth factor beta binding protein 2; minus strand). Cytogenetic location: 14q24.3.
Variant type: single nucleotide variant.
Coding change: c.376C>G on transcript NM_000428.3 (MANE Select); coding-DNA position 376, C replaced by G.
Protein change: p.Pro126Ala; replaces proline 126 with alanine.
Molecular consequence: missense variant.
Genome position (GRCh38, 1-based): chr14:74,611,569, G>C on the plus strand (C>G on the coding strand, the complement: LTBP2 is on the minus strand). VCF-style: chr14-74611569-G-C. GRCh37 (hg19) VCF-style: chr14-75078272-G-C.
Other names: short protein forms P126A.
Identifiers: ClinVar variation 2003366 (VCV002003366.4), dbSNP rs1434967911, ClinGen allele CA390387782.

ClinVar aggregate classification (germline): Uncertain significance (1 of 4 stars; one submission).

Submission:

Labcorp Genetics (formerly Invitae), Labcorp
Classification: Uncertain significance. Last evaluated: 2022-06-14. Review status: criteria provided, single submitter. Criteria: Invitae Variant Classification Sherloc (09022015). Collection method: clinical testing. Allele origin: germline.
Comment: This sequence change replaces proline, which is neutral and non-polar, with alanine, which is neutral and non-polar, at codon 126 of the LTBP2 protein (p.Pro126Ala). This variant is not present in population databases (gnomAD no frequency). This variant has not been reported in the literature in individuals affected with LTBP2-related conditions. Algorithms developed to predict the effect of missense changes on protein structure and function output the following: SIFT: "Deleterious"; PolyPhen-2: "Benign"; Align-GVGD: "Class C25". The alanine amino acid residue is found in multiple mammalian species, which suggests that this missense change does not adversely affect protein function. In summary, the available evidence is currently insufficient to determine the role of this variant in disease. Therefore, it has been classified as a Variant of Uncertain Significance.